The following is an entry in ClinVar:

NM_012154.5(AGO2):c.551C>T (p.Ala184Val)

Genes: AGO2 (argonaute RISC catalytic component 2; minus strand), LOC126860545 (MED14-independent group 3 enhancer GRCh37_chr8:141569579-141570778; plus strand). Cytogenetic location: 8q24.3.
Variant type: single nucleotide variant.
Coding change: c.551C>T on transcript NM_012154.5 (MANE Select); coding-DNA position 551, C replaced by T.
Protein change: p.Ala184Val; replaces alanine 184 with valine.
Molecular consequence: missense variant.
Genome position (GRCh38, 1-based): chr8:140,560,478, G>A on the plus strand (C>T on the coding strand, the complement: AGO2 is on the minus strand). VCF-style: chr8-140560478-G-A. GRCh37 (hg19) VCF-style: chr8-141570577-G-A.
Other names: c.551C>T, p.Ala184Val (NM_001164623.3); short protein forms A184V.
Identifiers: ClinVar variation 1702548 (VCV001702548.2), dbSNP rs1048719160, ClinGen allele CA186543805.

ClinVar aggregate classification (germline): Uncertain significance (1 of 4 stars; one submission).

Allele frequency attached by ClinVar (database versions not stated): gnomAD exomes below 0.00001; TOPMed 0.00001.
gnomAD v4.1: 7 of 1,614,186 alleles (0.00043%); highest among the groups gnomAD compares: South Asian, 0.0011%; no homozygotes.

Submission:

GeneDx
Classification: Uncertain significance. Last evaluated: 2022-02-22. Review status: criteria provided, single submitter. Criteria: GeneDx Variant Classification Process June 2021. Collection method: clinical testing. Allele origin: germline. Affected: yes.
Comment: Not observed at significant frequency in large population cohorts (gnomAD); In silico analysis supports that this missense variant does not alter protein structure/function; Has not been previously published as pathogenic or benign to our knowledge